The following is an entry in ClinVar:

NM_006009.4(TUBA1A):c.1265G>A (p.Arg422His)

Gene: TUBA1A (tubulin alpha 1a; minus strand). Cytogenetic location: 12q13.12.
Variant type: single nucleotide variant.
Coding change: c.1265G>A on transcript NM_006009.4 (MANE Select); coding-DNA position 1265, G replaced by A.
Protein change: p.Arg422His; replaces arginine 422 with histidine.
Molecular consequence: missense variant.
Genome position (GRCh38, 1-based): chr12:49,185,101, C>T on the plus strand (G>A on the coding strand, the complement: TUBA1A is on the minus strand). VCF-style: chr12-49185101-C-T. GRCh37 (hg19) VCF-style: chr12-49578884-C-T.
Other names: c.1265G>A, p.Arg422His (NM_001270399.2); c.1160G>A, p.Arg387His (NM_001270400.2); short protein forms R422H, R387H.
Identifiers: ClinVar variation 7077 (VCV000007077.27), dbSNP rs137853050, ClinGen allele CA213166.

ClinVar aggregate classification (germline): Pathogenic. Review status: criteria provided, multiple submitters, no conflicts (2 of 4 stars). 10 submissions from 10 submitters: Pathogenic (6). 4 of the submissions do not count toward it. Last evaluated 2024-12-02.

Conditions:
Tubulinopathy. Also called: Tubulinopathies. Identifiers: MedGen CN850169, MONDO:0100153.
Lissencephaly. Also called: Lissencephaly spectrum disorders. Identifiers: Orphanet 48471, MedGen C0266463, MeSH D054082, MONDO:0018838, HP:0001339.
Lissencephaly due to TUBA1A mutation (CDCBM16). Also called: CORTICAL DYSPLASIA, COMPLEX, WITH OTHER BRAIN MALFORMATIONS 16; Lissencephaly 3. Identifiers: Orphanet 171680, MedGen C4305153, MONDO:0012703, OMIM 611603.

Submissions (10):

Labcorp Genetics (formerly Invitae), Labcorp
Classification: Pathogenic. Last evaluated: 2024-12-02. Review status: criteria provided, single submitter. Criteria: Invitae Variant Classification Sherloc (09022015). Collection method: clinical testing. Allele origin: germline.
Comment: This sequence change replaces arginine, which is basic and polar, with histidine, which is basic and polar, at codon 422 of the TUBA1A protein (p.Arg422His). This variant is not present in population databases (gnomAD no frequency). This missense change has been observed in individual(s) with cortical malformations (PMID: 18728072, 20466733, 26350204, 29671837). In at least one individual the variant was observed to be de novo. ClinVar contains an entry for this variant (Variation ID: 7077). Invitae Evidence Modeling of protein sequence and biophysical properties (such as structural, functional, and spatial information, amino acid conservation, physicochemical variation, residue mobility, and thermodynamic stability) indicates that this missense variant is expected to disrupt TUBA1A protein function with a positive predictive value of 80%. This variant disrupts the p.Arg422 amino acid residue in TUBA1A. Other variant(s) that disrupt this residue have been observed in individuals with TUBA1A-related conditions (PMID: 18728072), which suggests that this may be a clinically significant amino acid residue. For these reasons, this variant has been classified as Pathogenic.

GeneDx
Classification: Pathogenic. Last evaluated: 2021-10-23. Review status: criteria provided, single submitter. Criteria: GeneDx Variant Classification Process June 2021. Collection method: clinical testing. Allele origin: germline. Affected: yes.
Comment: Not observed in large population cohorts (gnomAD); In silico analysis supports that this missense variant has a deleterious effect on protein structure/function; Missense variants in this gene are often considered pathogenic (HGMD); This variant is associated with the following publications: (PMID: 21875651, 25059107, 24860126, 22264709, 18669490, 29671837, 20466733, 26350204, 18954413, 20376468, 22948023, 18728072, 33453472, 30744660)

Institute of Human Genetics, FAU Erlangen, Friedrich-Alexander-Universität Erlangen-Nürnberg
Classification: Pathogenic for Tubulinopathies. Last evaluated: 2018-07-01. Review status: criteria provided, single submitter. Criteria: ACMG Guidelines, 2015. Collection method: literature only. Allele origin: de novo. Affected: yes. Observed: 4 variant alleles.
Comment: The c.1265G>A, p.(Arg422His) variant has been reported as a variant of de novo origin. This variant and associated phenotype was previously reported by Morris-Rosendahl et al. Clin Genet, 2008 PMID: 18954413. Pachygyria (HP:0001302); Cerebellar vermis hypoplasia (HP:0001320); Hypoplasia of the pons (HP:0012110); Dysgenesis of the hippocampus (HP:0025101); Dilation of lateral ventricles, Dilated fourth ventricle (HP:0006956, HP:0002198); Gray matter heterotopia (HP:0002281); Congenital microcephaly (HP:0011451); Microcephaly (HP:0000252); Muscular hypotonia (HP:0001252); Generalized tonic-clonic seizures (HP:0002069)

Genetic Services Laboratory, University of Chicago
Classification: Pathogenic for Lissencephaly 3. Last evaluated: 2013-02-08. Review status: criteria provided, single submitter. Criteria: ACMG Guidelines, 2007. Collection method: clinical testing. Allele origin: germline. Inheritance: Autosomal dominant inheritance. Affected: yes.

Department of Medical Genetics, Sanjay Gandhi Post Graduate Institute of Medical Sciences
Classification: Pathogenic for Lissencephaly due to TUBA1A mutation. Review status: criteria provided, single submitter. Criteria: ACMG Guidelines, 2015. Collection method: research. Allele origin: de novo. Inheritance: Autosomal dominant inheritance. Affected: yes. Observed: 1 heterozygote.
Comment: Analysis of the exome sequencing data showed a heterozygous sequence variant in TUBA1A gene. This variant is predicted as Disease Causing by MutationTaster.

Institute for Medical Genetics and Human Genetics, Charité - Universitätsmedizin Berlin
Classification: Pathogenic for Lissencephaly due to TUBA1A mutation. Review status: criteria provided, single submitter. Criteria: ACMG Guidelines, 2015. Collection method: not provided. Allele origin: germline. Inheritance: Autosomal dominant inheritance. Affected: yes.

OMIM
Classification: Pathogenic for CORTICAL DYSPLASIA, COMPLEX, WITH OTHER BRAIN MALFORMATIONS 16. Last evaluated: 2008-11-01. Review status: no assertion criteria provided. Collection method: literature only. Allele origin: germline. Not counted in ClinVar's aggregate classification.

GeneReviews
No classification provided. Condition: Lissencephaly type 3. Review status: no classification provided. Collection method: literature only. Allele origin: germline. Affected: yes. Not counted in ClinVar's aggregate classification.
Comment: Classic lissencephaly

Service de Génétique Moléculaire, Hôpital Robert Debré
Classification: Pathogenic for Lissencephaly due to TUBA1A mutation. Review status: no assertion criteria provided. Collection method: clinical testing. Allele origin: unknown. Affected: yes. Not counted in ClinVar's aggregate classification.

University of Washington Center for Mendelian Genomics, University of Washington
Classification: Likely pathogenic for lissencephaly. Review status: no assertion criteria provided. Collection method: research. Allele origin: unknown. Affected: yes. Not counted in ClinVar's aggregate classification.

Literature cited by the submitters: PubMed 18728072 (cited by Labcorp Genetics (formerly Invitae), Labcorp and GeneReviews); PubMed 20466733 (cited by Labcorp Genetics (formerly Invitae), Labcorp and GeneReviews); PubMed 26350204 (cited by Labcorp Genetics (formerly Invitae), Labcorp); PubMed 29671837 (cited by Labcorp Genetics (formerly Invitae), Labcorp and University of Washington Center for Mendelian Genomics, University of Washington); PubMed 30744660 (cited by Institute of Human Genetics, FAU Erlangen, Friedrich-Alexander-Universität Erlangen-Nürnberg); DOI 10.1101/427948 (cited by Institute of Human Genetics, FAU Erlangen, Friedrich-Alexander-Universität Erlangen-Nürnberg); PubMed 18954413 (cited by OMIM); NCBI Bookshelf NBK350554 (cited by GeneReviews).